The following is an entry in ClinVar:

ClinVar aggregate classification (germline): Uncertain significance. Review status: criteria provided, multiple submitters, no conflicts (2 of 4 stars). 2 submissions from 2 submitters: Uncertain significance (2). Last evaluated 2021-08-24.

Conditions:
Inborn genetic diseases. Identifiers: MedGen C0950123, MeSH D030342.
Hereditary sensory and autonomic neuropathy type 6. Also called: Neuropathy, hereditary sensory and autonomic, type VI; HSAN VI. Identifiers: Orphanet 314381, MedGen C3539003, MONDO:0013839, OMIM 614653.
Epidermolysis bullosa simplex 3, localized or generalized intermediate, with BP230 deficiency (EBS3). Also called: Epidermolysis bullosa simplex, autosomal recessive 2; Epidermolysis bullosa simplex due to BP230 deficiency. Identifiers: Orphanet 412181, MedGen C3809470, MONDO:0014180, OMIM 615425.

Allele frequency attached by ClinVar (database versions not stated): gnomAD exomes 0.00002 and 0.00003; TOPMed 0.00002; ExAC 0.00003; gnomAD 0.00004; ESP Exome Variant Server 0.00008.
gnomAD v4.1: 44 of 1,613,834 alleles (0.0027%); highest among the groups gnomAD compares: South Asian, 0.0077%; no homozygotes.

Submissions (2):

Labcorp Genetics (formerly Invitae), Labcorp
Classification: Uncertain significance for Epidermolysis bullosa simplex 3, localized or generalized intermediate, with BP230 deficiency; Hereditary sensory and autonomic neuropathy type 6. Last evaluated: 2021-08-24. Review status: criteria provided, single submitter. Criteria: Invitae Variant Classification Sherloc (09022015). Collection method: clinical testing. Allele origin: germline.

Ambry Genetics
Classification: Uncertain significance for Inborn genetic diseases. Last evaluated: 2020-12-28. Review status: criteria provided, single submitter. Criteria: Ambry Variant Classification Scheme 2023. Collection method: clinical testing. Allele origin: germline.
Comment: The p.I4051V variant (also known as c.12151A>G), located in coding exon 66 of the DST gene, results from an A to G substitution at nucleotide position 12151. The isoleucine at codon 4051 is replaced by valine, an amino acid with highly similar properties. This amino acid position is not well conserved in available vertebrate species, and valine is the reference amino acid in other vertebrate species. In addition, this alteration is predicted to be tolerated by in silico analysis. Since supporting evidence is limited at this time, the clinical significance of this alteration remains unclear.

NM_001374736.1(DST):c.18508A>G (p.Ile6170Val)

Gene: DST (dystonin; minus strand). Cytogenetic location: 6p12.1.
Variant type: single nucleotide variant.
Coding change: c.18508A>G on transcript NM_001374736.1 (MANE Select); coding-DNA position 18508, A replaced by G.
Protein change: p.Ile6170Val; replaces isoleucine 6170 with valine.
Molecular consequence: missense variant.
Genome position (GRCh38, 1-based): chr6:56,515,518, T>C on the plus strand (A>G on the coding strand, the complement: DST is on the minus strand). VCF-style: chr6-56515518-T-C. GRCh37 (hg19) VCF-style: chr6-56380316-T-C.
Other names: c.12151A>G, p.Ile4051Val (NM_001144769.5); c.11737A>G, p.Ile3913Val (NM_001144770.2); c.18508A>G, p.Ile6170Val (NM_001374722.1); c.17548A>G, p.Ile5850Val (NM_001374729.1); c.11290A>G, p.Ile3764Val (NM_001374730.1); c.18535A>G, p.Ile6179Val (NM_001374734.1); c.11617A>G, p.Ile3873Val (NM_001386100.1, NM_183380.4); c.10639A>G, p.Ile3547Val (NM_015548.5); short protein forms I3913V, I3873V, I5850V, I3764V, I6170V, I3547V, I4051V, I6179V.
Identifiers: ClinVar variation 1039140 (VCV001039140.6), dbSNP rs374091334, ClinGen allele CA3867195.